The following is an entry in ClinVar:

NM_006939.4(SOS2):c.715-12_715-8del

Gene: SOS2 (SOS Ras/Rho guanine nucleotide exchange factor 2; minus strand). Cytogenetic location: 14q21.3.
Variant type: Deletion.
Coding change: c.715-12_715-8del on transcript NM_006939.4 (MANE Select); 12 bases into the intron before coding-DNA position 715 through 8 bases into the intron before coding-DNA position 715, 5 bases deleted (CTCTT; older notation c.715-12_715-8delCTCTT).
Molecular consequence: intron variant.
Genome position (GRCh38, 1-based): chr14:50,182,614-50,182,618, AAGAG deleted on the plus strand (CTCTT on the coding strand, the reverse complement: SOS2 is on the minus strand); deleting any 5 consecutive bases within chr14:50,182,614-50,182,621 gives the same sequence; the c. name uses the placement nearest the transcript's 3' end. VCF-style (leftmost placement, unchanged base first): chr14-50182613-AAAGAG-A. GRCh37 (hg19) VCF-style: chr14-50649331-AAAGAG-A.
Other names: c.715-12_715-8del (NM_001411020.1).
Identifiers: ClinVar variation 2916212 (VCV002916212.3), dbSNP rs2503105330, ClinGen allele CA2624773109.

ClinVar aggregate classification (germline): Uncertain significance (1 of 4 stars; one submission).

Conditions:
Noonan syndrome 9 (NS9). Identifiers: Orphanet 648, MedGen C4225282, MONDO:0014691, OMIM 616559.

Submission:

Labcorp Genetics (formerly Invitae), Labcorp
Classification: Uncertain significance for Noonan syndrome 9. Last evaluated: 2025-06-02. Review status: criteria provided, single submitter. Criteria: Invitae Variant Classification Sherloc (09022015). Collection method: clinical testing. Allele origin: germline.
Comment: This sequence change falls in intron 5 of the SOS2 gene. It does not directly change the encoded amino acid sequence of the SOS2 protein. This variant is not present in population databases (gnomAD no frequency). This variant has not been reported in the literature in individuals affected with SOS2-related conditions. ClinVar contains an entry for this variant (Variation ID: 2916212). Algorithms developed to predict the effect of sequence changes on RNA splicing suggest that this variant may create or strengthen a splice site. In summary, the available evidence is currently insufficient to determine the role of this variant in disease. Therefore, it has been classified as a Variant of Uncertain Significance.